The following is an entry in ClinVar:

ClinVar aggregate classification (germline): Conflicting classifications of pathogenicity. Review status: criteria provided, conflicting classifications (1 of 4 stars). 3 submissions from 3 submitters: Uncertain significance (2); Likely benign (1). Last evaluated 2023-03-23.

Conditions:
Hereditary cancer-predisposing syndrome. Also called: Tumor predisposition; Neoplastic Syndromes, Hereditary; Hereditary neoplastic syndrome; Hereditary Cancer Syndrome. Identifiers: Orphanet 140162, MedGen C0027672, MeSH D009386, MONDO:0015356.
Hereditary breast ovarian cancer syndrome. Also called: Breast and ovarian cancer; BRCA1- and BRCA2-Associated Hereditary Breast and Ovarian Cancer; Hereditary breast and ovarian cancer syndrome (HBOC); Hereditary breast and ovarian cancer; Hereditary breast and/or ovarian cancer syndrome; Hereditary breast and ovarian cancer syndrome. Identifiers: Orphanet 145, MedGen C0677776, MeSH D061325, MONDO:0003582. Disease mechanism: loss of function.

gnomAD v4.1: 2 of 1,613,762 alleles (0.00012%); highest among the groups gnomAD compares: East Asian, 0.0022%; no homozygotes.

Submissions (3):

University of Washington Department of Laboratory Medicine, University of Washington
Classification: Likely benign for Hereditary cancer-predisposing syndrome. Last evaluated: 2023-03-23. Review status: criteria provided, single submitter. Criteria: Dines et al. (Genet Med. 2020). Collection method: curation. Allele origin: germline.
Comment: Missense variant in a coldspot region where missense variants are very unlikely to be pathogenic (PMID:31911673).

BRCA1 coldspot (exon 11 using historical exon numbering). Reclassification based on statistical prior probability

Labcorp Genetics (formerly Invitae), Labcorp
Classification: Uncertain significance for Hereditary breast ovarian cancer syndrome. Last evaluated: 2022-02-18. Review status: criteria provided, single submitter. Criteria: Invitae Variant Classification Sherloc (09022015). Collection method: clinical testing. Allele origin: germline.
Comment: Advanced modeling of protein sequence and biophysical properties (such as structural, functional, and spatial information, amino acid conservation, physicochemical variation, residue mobility, and thermodynamic stability) performed at Invitae indicates that this missense variant is not expected to disrupt BRCA1 protein function. ClinVar contains an entry for this variant (Variation ID: 496357). This variant has not been reported in the literature in individuals affected with BRCA1-related conditions. This variant is not present in population databases (gnomAD no frequency). This sequence change replaces histidine, which is basic and polar, with leucine, which is neutral and non-polar, at codon 816 of the BRCA1 protein (p.His816Leu). In summary, the available evidence is currently insufficient to determine the role of this variant in disease. Therefore, it has been classified as a Variant of Uncertain Significance.

Women's Health and Genetics/Laboratory Corporation of America, LabCorp
Classification: Uncertain significance. Last evaluated: 2016-11-08. Review status: criteria provided, single submitter. Criteria: LabCorp Variant Classification Summary - May 2015. Collection method: clinical testing. Allele origin: germline.
Comment: Variant summary: The BRCA1 c.2447A>T (p.His816Leu) variant involves the alteration of a non-conserved nucleotide. 3/5 in silico tools predict a benign outcome for this substitution. This variant is absent in 121356 control chromosomes. The variant of interest has not, to our knowledge, been reported in affected individuals via publications and/or reputable databases/clinical diagnostic laboratories; nor evaluated for functional impact by in vivo/vitro studies. Because of the absence of clinical information and the lack of functional studies, the variant is classified as a variant of uncertain significance (VUS) until additional information becomes available.

NM_007294.4(BRCA1):c.2447A>T (p.His816Leu)

Gene: BRCA1 (BRCA1 DNA repair associated; minus strand). Cytogenetic location: 17q21.31.
Variant type: single nucleotide variant.
Coding change: c.2447A>T on transcript NM_007294.4 (MANE Select); coding-DNA position 2447, A replaced by T.
Protein change: p.His816Leu; replaces histidine 816 with leucine.
Molecular consequence: missense variant. On other transcripts: intron variant (137).
Genome position (GRCh38, 1-based): chr17:43,093,084, T>A on the plus strand (A>T on the coding strand, the complement: BRCA1 is on the minus strand). VCF-style: chr17-43093084-T-A. GRCh37 (hg19) VCF-style: chr17-41245101-T-A.
Other names: c.2306A>T, p.His769Leu (NM_001407751.1, NM_001407752.1, NM_001407850.1 and 29 more transcripts); c.2303A>T, p.His768Leu (NM_001407838.1, NM_001407839.1, NM_001407841.1 and 20 more transcripts); c.2234A>T, p.His745Leu (NM_001407853.1, NM_001407894.1, NM_001407895.1 and 9 more transcripts); c.2447A>T, p.His816Leu (NM_001407854.1, NM_001407858.1, NM_001407859.1 and 30 more transcripts); c.2444A>T, p.His815Leu (NM_001407860.1, NM_001407861.1, NM_001407587.1 and 22 more transcripts); c.2246A>T, p.His749Leu (NM_001407862.1); c.2324A>T, p.His775Leu (NM_001407863.1, NM_001407919.1, NM_001407937.1 and 19 more transcripts); c.2243A>T, p.His748Leu (NM_001407874.1, NM_001407875.1); and 41 more; short protein forms H816L, H769L, H520L, H688L, H689L, H704L, H749L, H768L.
Identifiers: ClinVar variation 496357 (VCV000496357.10), dbSNP rs80357108, ClinGen allele CA10597115.